The following is an entry in ClinVar:

ClinVar aggregate classification (germline): Uncertain significance (1 of 4 stars; one submission).

Submission:

GeneDx
Classification: Uncertain significance. Last evaluated: 2026-03-29. Review status: criteria provided, single submitter. Criteria: GeneDx Variant Classification Process June 2021. Collection method: clinical testing. Allele origin: germline.
Comment: Not observed at significant frequency in large population cohorts (gnomAD); In silico analysis supports that this missense variant has a deleterious effect on protein structure/function; Has not been previously published as pathogenic or benign to our knowledge

NM_021096.4(CACNA1I):c.2297G>A (p.Cys766Tyr)

Gene: CACNA1I (calcium voltage-gated channel subunit alpha1 I; plus strand). Cytogenetic location: 22q13.1.
Variant type: single nucleotide variant.
Coding change: c.2297G>A on transcript NM_021096.4 (MANE Select); coding-DNA position 2297, G replaced by A.
Protein change: p.Cys766Tyr; replaces cysteine 766 with tyrosine.
Molecular consequence: missense variant.
Genome position (GRCh38, 1-based): chr22:39,659,083, G>A. VCF-style: chr22-39659083-G-A. GRCh37 (hg19) VCF-style: chr22-40055088-G-A.
Other names: c.2192G>A, p.Cys731Tyr (NM_001003406.2); short protein forms C731Y, C766Y.
Identifiers: ClinVar variation 5017900 (VCV005017900.1).